The following is an entry in ClinVar:

NM_001277115.2(DNAH11):c.6302A>G (p.Asn2101Ser)

Gene: DNAH11 (dynein axonemal heavy chain 11; plus strand). Cytogenetic location: 7p15.3.
Variant type: single nucleotide variant.
Coding change: c.6302A>G on transcript NM_001277115.2 (MANE Select); coding-DNA position 6302, A replaced by G.
Protein change: p.Asn2101Ser; replaces asparagine 2101 with serine.
Molecular consequence: missense variant.
Genome position (GRCh38, 1-based): chr7:21,704,462, A>G. VCF-style: chr7-21704462-A-G. GRCh37 (hg19) VCF-style: chr7-21744080-A-G.
Other names: short protein forms N2101S.
Identifiers: ClinVar variation 238928 (VCV000238928.21), dbSNP rs201618995, ClinGen allele CA4180777.
Genomic context (GRCh38, chr7:21,704,462, plus strand): 5'-TTGGCTTTTTTATAAAATGTTTTTTTTTCTAGGTACTCATGAGAGCATTAAGGGATTTCA[A>G]TATGCCCAAAATAGTGACTGACGACATCCCAGTGTTTCTGGGCCTGGTCGGTGACCTGTT-3'
Protein context (NP_001264044.1, residues 2091-2111): QVLMRALRDF[Asn2101Ser]MPKIVTDDIP

ClinVar aggregate classification (germline): Conflicting classifications of pathogenicity. Review status: criteria provided, conflicting classifications (1 of 4 stars). 3 submissions from 3 submitters: Uncertain significance (2); Likely benign (1). Last evaluated 2025-11-28.

Conditions:
Primary ciliary dyskinesia. Also called: Ciliary dyskinesia. Identifiers: Orphanet 244, MedGen C0008780, MONDO:0016575, HP:0012265.

Allele frequency attached by ClinVar (database versions not stated): TOPMed 0.00031; gnomAD 0.00036 and 0.00046; ESP Exome Variant Server 0.00041; gnomAD exomes 0.00051; ExAC 0.00058; 1000 Genomes Project 30x 0.00125; 1000 Genomes Project 0.00160.
gnomAD v4.1: 575 of 1,613,690 alleles (0.036%); highest among the groups gnomAD compares: South Asian, 0.26%; 1 homozygote.

Submissions (3):

Labcorp Genetics (formerly Invitae), Labcorp
Classification: Likely benign for Primary ciliary dyskinesia. Last evaluated: 2025-11-28. Review status: criteria provided, single submitter. Criteria: Invitae Variant Classification Sherloc (09022015). Collection method: clinical testing. Allele origin: germline.

GeneDx
Classification: Uncertain significance. Last evaluated: 2025-11-08. Review status: criteria provided, single submitter. Criteria: GeneDx Variant Classification Process June 2021. Collection method: clinical testing. Allele origin: germline. Affected: yes.
Comment: In silico analysis supports that this missense variant has a deleterious effect on protein structure/function; Has not been previously published as pathogenic or benign to our knowledge in association with DNAH11-related primary ciliary dyskinesia; however this variant has been published in the heterozgyous state in a patient with HELLP syndrome in study identifying potential biomarkers for HELLP syndrome (Jimnez KM, 2020); This variant is associated with the following publications: (PMID: 33059327)

Ambry Genetics
Classification: Uncertain significance for Primary ciliary dyskinesia. Last evaluated: 2019-06-13. Review status: criteria provided, single submitter. Criteria: Ambry Variant Classification Scheme 2023. Collection method: clinical testing. Allele origin: germline.
Comment: The p.N2101S variant (also known as c.6302A>G), located in coding exon 38 of the DNAH11 gene, results from an A to G substitution at nucleotide position 6302. The asparagine at codon 2101 is replaced by serine, an amino acid with highly similar properties. This amino acid position is highly conserved in available vertebrate species. In addition, this alteration is predicted to be tolerated by in silico analysis. Since supporting evidence is limited at this time, the clinical significance of this alteration remains unclear.